The following is an entry in ClinVar:

ClinVar aggregate classification (germline): Likely benign. Review status: criteria provided, multiple submitters, no conflicts (2 of 4 stars). 5 submissions from 5 submitters: Likely benign (4). 1 of the submissions does not count toward it. Last evaluated 2025-12-13.

Conditions:
RYR2-related disorder. Also called: RYR2-related condition.
Cardiovascular phenotype. Identifiers: MedGen CN230736.
Catecholaminergic polymorphic ventricular tachycardia (CVPT). Also called: Catecholamine-induced polymorphic ventricular tachycardia. Identifiers: Orphanet 3286, MedGen C5574922, MONDO:0017990.
Catecholaminergic polymorphic ventricular tachycardia 1. Also called: VENTRICULAR TACHYCARDIA, CATECHOLAMINERGIC POLYMORPHIC, 1, WITH OR WITHOUT ATRIAL DYSFUNCTION AND/OR DILATED CARDIOMYOPATHY; RYR2-Related Catecholaminergic Polymorphic Ventricular Tachycardia; VENTRICULAR TACHYCARDIA, STRESS-INDUCED POLYMORPHIC 1. Identifiers: Orphanet 3286, MedGen C1631597, MONDO:0011484, OMIM 604772.
Cardiomyopathy (CMYO). Also called: Cardiomyopathies. Identifiers: Orphanet 167848, MedGen C0878544, MONDO:0004994, HP:0001638. Inheritance: Various modes of inheritance.

Allele frequency attached by ClinVar (database versions not stated): gnomAD exomes 0.00001 and 0.00002; ExAC 0.00002; gnomAD 0.00003; TOPMed 0.00003.
gnomAD v4.1: 33 of 1,581,296 alleles (0.0021%); highest among the groups gnomAD compares: African/African-American, 0.0027%; no homozygotes.

Submissions (5):

Labcorp Genetics (formerly Invitae), Labcorp
Classification: Likely benign for Catecholaminergic polymorphic ventricular tachycardia 1. Last evaluated: 2025-12-13. Review status: criteria provided, single submitter. Criteria: Invitae Variant Classification Sherloc (09022015). Collection method: clinical testing. Allele origin: germline.

All of Us Research Program, National Institutes of Health
Classification: Likely benign for Catecholaminergic polymorphic ventricular tachycardia. Last evaluated: 2023-12-13. Review status: criteria provided, single submitter. Criteria: ACMG Guidelines, 2015. Collection method: clinical testing. Allele origin: germline. Inheritance: Autosomal dominant inheritance. Observed: 8 variant alleles, 8 heterozygotes.
Comment: This study involves interpretation of variants in research participants for the purpose of population health screening. Participant phenotype was not available at the time of variant classification. Additional details can be found in publication PMID: 35346344, PMCID: PMC8962531

Ambry Genetics
Classification: Likely benign for Cardiovascular phenotype. Last evaluated: 2020-01-26. Review status: criteria provided, single submitter. Criteria: Ambry Variant Classification Scheme 2023. Collection method: clinical testing. Allele origin: germline.

Color Diagnostics, LLC DBA Color Health
Classification: Likely benign for Cardiomyopathy. Last evaluated: 2019-09-30. Review status: criteria provided, single submitter. Criteria: ACMG Guidelines, 2015. Collection method: clinical testing. Allele origin: germline.

PreventionGenetics, part of Exact Sciences
Classification: Likely benign for RYR2-related condition. Last evaluated: 2022-09-28. Review status: no assertion criteria provided. Collection method: clinical testing. Allele origin: germline. Not counted in ClinVar's aggregate classification.
Comment: This variant is classified as likely benign based on ACMG/AMP sequence variant interpretation guidelines (Richards et al. 2015 PMID: 25741868, with internal and published modifications).

NM_001035.3(RYR2):c.9441C>T (p.Tyr3147=)

Gene: RYR2 (ryanodine receptor 2; plus strand). Cytogenetic location: 1q43.
Variant type: single nucleotide variant.
Coding change: c.9441C>T on transcript NM_001035.3 (MANE Select); coding-DNA position 9441, C replaced by T.
Protein change: p.Tyr3147=; no amino-acid change (tyrosine 3147 retained).
Molecular consequence: synonymous variant.
Genome position (GRCh38, 1-based): chr1:237,702,051, C>T. VCF-style: chr1-237702051-C-T. GRCh37 (hg19) VCF-style: chr1-237865351-C-T.
Other names: c.9441C>T (NM_001035.2).
Identifiers: ClinVar variation 924942 (VCV000924942.17), dbSNP rs760338814, ClinGen allele CA087893.